The following is an entry in ClinVar:

ClinVar aggregate classification (germline): Pathogenic (1 of 4 stars; one submission).

Conditions:
Long QT syndrome (LQTS). Identifiers: MedGen C0023976, MeSH D008133, MONDO:0002442. Disease mechanism: loss of function. Inheritance: Various modes of inheritance.

Submission:

Labcorp Genetics (formerly Invitae), Labcorp
Classification: Pathogenic for Long QT syndrome. Last evaluated: 2020-09-13. Review status: criteria provided, single submitter. Criteria: Invitae Variant Classification Sherloc (09022015). Collection method: clinical testing. Allele origin: germline.
Comment: For these reasons, this variant has been classified as Pathogenic. Loss-of-function variants in KCNH2 are known to be pathogenic (PMID: 10973849, 19862833). This variant has not been reported in the literature in individuals with KCNH2-related conditions. This variant is not present in population databases (ExAC no frequency). This sequence change creates a premature translational stop signal (p.Phe852Serfs*16) in the KCNH2 gene. It is expected to result in an absent or disrupted protein product.

Literature cited by the submitters: PubMed 10973849; PubMed 19862833.

NM_000238.4(KCNH2):c.2555del (p.Phe852fs)

Gene: KCNH2 (potassium voltage-gated channel subfamily H member 2; minus strand). Cytogenetic location: 7q36.1.
Variant type: Deletion.
Coding change: c.2555del on transcript NM_000238.4 (MANE Select); coding-DNA position 2555, one base deleted (T; older notation c.2555delT).
Protein change: p.Phe852fs; shifts the reading frame from phenylalanine 852.
Molecular consequence: frameshift variant.
Genome position (GRCh38, 1-based): chr7:150,948,893, A deleted on the plus strand (T on the coding strand, the reverse complement: KCNH2 is on the minus strand); the first of 2 consecutive A bases (chr7:150,948,893-150,948,894); deleting either gives the same sequence. VCF-style (leftmost placement, unchanged base first): chr7-150948892-GA-G. GRCh37 (hg19) VCF-style: chr7-150645980-GA-G.
Other names: c.1535del, p.Phe512fs (NM_172057.3); short protein forms F512fs, F852fs.
Identifiers: ClinVar variation 1068978 (VCV001068978.7), dbSNP rs2116940243, ClinGen allele CA2499218794.